The following is an entry in ClinVar:

NM_003628.6(PKP4):c.655G>A (p.Ala219Thr)

Gene: PKP4 (plakophilin 4; plus strand). Cytogenetic location: 2q24.1.
Variant type: single nucleotide variant.
Coding change: c.655G>A on transcript NM_003628.6 (MANE Select); coding-DNA position 655, G replaced by A.
Protein change: p.Ala219Thr; replaces alanine 219 with threonine.
Molecular consequence: missense variant. On other transcripts: intron variant (1).
Genome position (GRCh38, 1-based): chr2:158,624,929, G>A. VCF-style: chr2-158624929-G-A. GRCh37 (hg19) VCF-style: chr2-159481441-G-A.
Other names: c.655G>A, p.Ala219Thr (NM_001005476.4, NM_001304969.3, NM_001304971.2 and 6 more transcripts); c.649G>A, p.Ala217Thr (NM_001377222.1, NM_001377223.1, NM_001377224.1); c.-346-26G>A (NM_001304970.3); short protein forms A217T, A219T.
Identifiers: ClinVar variation 3933374 (VCV003933374.1).

ClinVar aggregate classification (germline): Uncertain significance (1 of 4 stars; one submission).

Submission:

Ambry Genetics
Classification: Uncertain significance. Last evaluated: 2025-06-09. Review status: criteria provided, single submitter. Criteria: Ambry Variant Classification Scheme 2023. Collection method: clinical testing. Allele origin: germline.
Comment: The p.A219T variant (also known as c.655G>A), located in coding exon 6 of the PKP4 gene, results from a G to A substitution at nucleotide position 655. The alanine at codon 219 is replaced by threonine, an amino acid with similar properties. This amino acid position is conserved. In addition, the in silico prediction for this alteration is inconclusive. Based on the available evidence, the clinical significance of this variant remains unclear.